The following is an entry in ClinVar:

ClinVar aggregate classification (germline): Likely benign. Review status: criteria provided, multiple submitters, no conflicts (2 of 4 stars). 2 submissions from 2 submitters: Likely benign (2). Last evaluated 2025-06-01.

Conditions:
POLD1-related polyposis and colorectal cancer syndrome (CRCS10). Also called: Colorectal cancer 10; COLORECTAL CANCER, SUSCEPTIBILITY TO, ON CHROMOSOME 19q; Colorectal cancer, susceptibility to, 10. Identifiers: Orphanet 220460, MedGen C2675481, MONDO:0012953, OMIM 612591.

Allele frequency attached by ClinVar (database versions not stated): gnomAD exomes below 0.00001.
gnomAD v4.1: 1 of 1,559,572 alleles (0.000064%); highest among the groups gnomAD compares: Admixed American, 0.0019%; no homozygotes.

Submissions (2):

Labcorp Genetics (formerly Invitae), Labcorp
Classification: Likely benign for POLD1-related polyposis and colorectal cancer syndrome. Last evaluated: 2025-06-01. Review status: criteria provided, single submitter. Criteria: Invitae Variant Classification Sherloc (09022015). Collection method: clinical testing. Allele origin: germline.

Myriad Genetics, Inc.
Classification: Likely benign for POLD1-related polyposis and colorectal cancer syndrome. Last evaluated: 2025-02-06. Review status: criteria provided, single submitter. Criteria: Myriad Autosomal Dominant, Autosomal Recessive and X-Linked Classification Criteria (2023). Collection method: clinical testing. Allele origin: unknown.
Comment: This variant is considered likely benign. This variant is intronic and is not expected to impact mRNA splicing.

NM_002691.4(POLD1):c.1494+7G>T

Gene: POLD1 (DNA polymerase delta 1, catalytic subunit; plus strand). Cytogenetic location: 19q13.33.
Variant type: single nucleotide variant.
Coding change: c.1494+7G>T on transcript NM_002691.4 (MANE Select); 7 bases into the intron after coding-DNA position 1494, G replaced by T.
Molecular consequence: intron variant.
Genome position (GRCh38, 1-based): chr19:50,406,524, G>T. VCF-style: chr19-50406524-G-T. GRCh37 (hg19) VCF-style: chr19-50909781-G-T.
Other names: c.1494+7G>T (NM_001256849.1, NM_001308632.1).
Identifiers: ClinVar variation 1531392 (VCV001531392.9), dbSNP rs1269529325, ClinGen allele CA2573156684.